The following is an entry in ClinVar:

NM_000059.4(BRCA2):c.6938-16_6938-12del

Gene: BRCA2 (BRCA2 DNA repair associated; plus strand). Cytogenetic location: 13q13.1.
Variant type: Deletion.
Coding change: c.6938-16_6938-12del on transcript NM_000059.4 (MANE Select); 16 bases into the intron before coding-DNA position 6938 through 12 bases into the intron before coding-DNA position 6938, 5 bases deleted (AATAA; older notation c.6938-16_6938-12delAATAA).
Molecular consequence: intron variant.
Genome position (GRCh38, 1-based): chr13:32,346,811-32,346,815, AATAA deleted; deleting any 5 consecutive bases within chr13:32,346,807-32,346,815 gives the same sequence; the c. name uses the placement nearest the transcript's 3' end. VCF-style (leftmost placement, unchanged base first): chr13-32346806-TATAAA-T. GRCh37 (hg19) VCF-style: chr13-32920943-TATAAA-T.
Other names: c.6938-16_6938-12delAATAA (NM_000059.3, NM_000059.4).
Identifiers: ClinVar variation 703749 (VCV000703749.21), dbSNP rs1566237718, ClinGen allele CA609087121.
Genomic context (GRCh38, chr13:32,346,806, plus strand): 5'-CAAATTTTTTGTGTATTTACAGTAACATGGATATTCTCTTAGATTTTAACTAATATGTAA[TATAAA>T]ATAATTGTTTCCTAGGCACAATAAAAGATCGAAGATTGTTTATGCATCATGTTTCTTTAG-3'

ClinVar aggregate classification (germline): Likely benign. Review status: criteria provided, multiple submitters, no conflicts (2 of 4 stars). 3 submissions from 3 submitters: Likely benign (3). Last evaluated 2026-06-30.

Conditions:
Hereditary breast ovarian cancer syndrome. Also called: Hereditary breast and/or ovarian cancer syndrome; Hereditary breast and ovarian cancer; Hereditary breast and ovarian cancer syndrome; Hereditary breast and ovarian cancer syndrome (HBOC); Breast and ovarian cancer; BRCA1- and BRCA2-Associated Hereditary Breast and Ovarian Cancer. Identifiers: Orphanet 145, MedGen C0677776, MeSH D061325, MONDO:0003582. Disease mechanism: loss of function.

Submissions (3):

Women's Health and Genetics/Laboratory Corporation of America, LabCorp
Classification: Likely benign. Last evaluated: 2026-06-30. Review status: criteria provided, single submitter. Criteria: LabCorp Variant Classification Summary - May 2015. Collection method: clinical testing. Allele origin: germline.
Comment: Variant summary: BRCA2 c.6938-16_6938-12delAATAA alters non-conserved nucleotides located at a position not widely known to affect splicing. Consensus agreement among computation tools predict no significant impact on normal splicing. However, these predictions have yet to be confirmed by functional studies. The variant allele was found at a frequency of 4.1e-06 in 241390 control chromosomes. The available data on variant occurrences in the general population are insufficient to allow any conclusion about variant significance. To our knowledge, no occurrence of c.6938-16_6938-12delAATAA in individuals affected with BRCA2-related conditions and no experimental evidence demonstrating its impact on protein function have been reported. ClinVar contains an entry for this variant (Variation ID: 703749). Based on the evidence outlined above, the variant was classified as likely benign.

Labcorp Genetics (formerly Invitae), Labcorp
Classification: Likely benign for Hereditary breast ovarian cancer syndrome. Last evaluated: 2025-08-11. Review status: criteria provided, single submitter. Criteria: Invitae Variant Classification Sherloc (09022015). Collection method: clinical testing. Allele origin: germline.

GeneDx
Classification: Likely benign. Last evaluated: 2019-12-20. Review status: criteria provided, single submitter. Criteria: GeneDx Variant Classification Process June 2021. Collection method: clinical testing. Allele origin: germline. Affected: yes.